The following is an entry in ClinVar:

NM_001061.7(TBXAS1):c.451-812C>G

Gene: TBXAS1 (thromboxane A synthase 1; plus strand). Cytogenetic location: 7q34.
Variant type: single nucleotide variant.
Coding change: c.451-812C>G on transcript NM_001061.7 (MANE Select); 812 bases into the intron before coding-DNA position 451, C replaced by G.
Molecular consequence: intron variant. On other transcripts: synonymous variant (1).
Genome position (GRCh38, 1-based): chr7:139,952,556, C>G. VCF-style: chr7-139952556-C-G. GRCh37 (hg19) VCF-style: chr7-139652355-C-G.
Other names: p.Gly152=; c.456C>G, p.Gly152= (NM_001166253.4); c.451-812C>G (NM_001130966.5, NM_030984.6); c.250-812C>G (NM_001166254.4); c.394-812C>G (NM_001314028.4); c.268-812C>G (NM_001366537.3).
Identifiers: ClinVar variation 4683315 (VCV004683315.2).

ClinVar aggregate classification (germline): Likely benign. Review status: criteria provided, multiple submitters, no conflicts (2 of 4 stars). 2 submissions from 2 submitters: Likely benign (2). Last evaluated 2025-11-11.

Conditions:
TBXAS1-related disorder. Also called: TBXAS1-related condition.

gnomAD v4.1: 293 of 1,536,700 alleles (0.019%); highest among the groups gnomAD compares: Middle Eastern, 0.32%; 2 homozygotes.

Submissions (2):

PreventionGenetics, part of Exact Sciences
Classification: Likely benign for TBXAS1-related condition. Last evaluated: 2025-11-11. Review status: criteria provided, single submitter. Criteria: ACMG Guidelines, 2015. Collection method: clinical testing. Allele origin: germline.
Comment: This variant is classified as likely benign based on ACMG/AMP sequence variant interpretation guidelines (Richards et al. 2015 PMID: 25741868, with internal and published modifications).

Mayo Clinic Laboratories, Mayo Clinic
Classification: Likely benign. Last evaluated: 2025-10-01. Review status: criteria provided, single submitter. Criteria: ACMG Guidelines, 2015. Collection method: clinical testing. Allele origin: germline. Observed: 1 variant allele.
Comment: BP4, BP7